The following is an entry in ClinVar:

NM_000478.6(ALPL):c.1252G>A (p.Gly418Arg)

Gene: ALPL (alkaline phosphatase, biomineralization associated; plus strand). Cytogenetic location: 1p36.12.
Variant type: single nucleotide variant.
Coding change: c.1252G>A on transcript NM_000478.6 (MANE Select); coding-DNA position 1252, G replaced by A.
Protein change: p.Gly418Arg; replaces glycine 418 with arginine.
Molecular consequence: missense variant.
Genome position (GRCh38, 1-based): chr1:21,576,584, G>A. VCF-style: chr1-21576584-G-A. GRCh37 (hg19) VCF-style: chr1-21903077-G-A.
Other names: c.1087G>A, p.Gly363Arg (NM_001127501.4); c.1021G>A, p.Gly341Arg (NM_001177520.3); c.1252G>A, p.Gly418Arg (NM_001369803.2, NM_001369804.2, NM_001369805.2); short protein forms G341R, G363R, G418R.
Identifiers: ClinVar variation 3336844 (VCV003336844.2).

ClinVar aggregate classification (germline): Conflicting classifications of pathogenicity. Review status: criteria provided, conflicting classifications (1 of 4 stars). 2 submissions from 2 submitters: Likely pathogenic (1); Uncertain significance (1). Last evaluated 2025-08-29.

Conditions:
Hypophosphatasia. Also called: Phosphoethanol-aminuria. Identifiers: Orphanet 436, MedGen C0020630, MeSH D007014, MONDO:0018570.

Submissions (2):

Genomenon, Inc
Classification: Uncertain significance for Hypophosphatasia. Last evaluated: 2025-08-29. Review status: criteria provided, single submitter. Criteria: Genomenon Sequence Variant Interpretation Standards. Collection method: curation. Allele origin: germline. Affected: yes.
Comment: ALPL p.Gly418Arg (c.1252G>A) is a missense variant that changes the amino acid at residue 418 from Glycine to Arginine. This variant has been observed in a proband affected with hypophosphatasia (PMID:38884565). It is absent or not present at a significant frequency in gnomAD. In silico models agree that this variant is possibly or probably damaging. In conclusion, we classify ALPL p.Gly418Arg (c.1252G>A) as a variant of unknown significance.

JKU Lab, Dept of Paediatrics, Johannes Kepler University
Classification: Likely pathogenic for Hypophosphatasia. Last evaluated: 2024-08-13. Review status: criteria provided, single submitter. Criteria: ACMG Guidelines, 2015. Collection method: clinical testing. Allele origin: germline. Affected: yes.
Comment: The variant is absent from GnomAD. The ACMG criteria applied can be looked up in the ALPL gene variant database. Functional testing was undertaken at the JKU laboratory.

Literature cited by the submitters: PubMed 38884565 (cited by Genomenon, Inc and JKU Lab, Dept of Paediatrics, Johannes Kepler University).